The following is an entry in ClinVar:

ClinVar aggregate classification (germline): Conflicting classifications of pathogenicity. Review status: criteria provided, conflicting classifications (1 of 4 stars). 6 submissions from 6 submitters: Uncertain significance (1); Benign (1); Likely benign (3). 1 of the submissions does not count toward it. Last evaluated 2025-07-21.

Conditions:
Inborn genetic diseases. Identifiers: MedGen C0950123, MeSH D030342.
CHD8-related disorder. Also called: CHD8-related condition; CHD8-related disorders.

Allele frequency attached by ClinVar (database versions not stated): 1000 Genomes Project 30x 0.00016; 1000 Genomes Project 0.00020; ESP Exome Variant Server 0.00032; gnomAD exomes 0.00045 and 0.00082; TOPMed 0.00048; gnomAD 0.00058 and 0.00060; ExAC 0.00082.
gnomAD v4.1: 775 of 1,613,946 alleles (0.048%); highest among the groups gnomAD compares: Middle Eastern, 0.099%; 1 homozygote.

Submissions (6):

Labcorp Genetics (formerly Invitae), Labcorp
Classification: Likely benign. Last evaluated: 2025-07-21. Review status: criteria provided, single submitter. Criteria: Invitae Variant Classification Sherloc (09022015). Collection method: clinical testing. Allele origin: germline.

Ambry Genetics
Classification: Likely benign for Inborn genetic diseases. Last evaluated: 2024-12-26. Review status: criteria provided, single submitter. Criteria: Ambry Variant Classification Scheme 2023. Collection method: clinical testing. Allele origin: germline.

Blueprint Genetics
Classification: Likely benign. Last evaluated: 2024-09-23. Review status: criteria provided, single submitter. Criteria: ACMG Guidelines, 2015. Collection method: clinical testing. Allele origin: germline.

GeneDx
Classification: Benign. Last evaluated: 2020-02-10. Review status: criteria provided, single submitter. Criteria: GeneDx Variant Classification Process June 2021. Collection method: clinical testing. Allele origin: germline. Affected: yes.

Eurofins Ntd Llc (ga)
Classification: Uncertain significance. Last evaluated: 2015-02-17. Review status: criteria provided, single submitter. Criteria: EGL Classification Definitions 2015. Collection method: clinical testing. Allele origin: germline. Observed: 1 variant allele, 1 heterozygote.

PreventionGenetics, part of Exact Sciences
Classification: Likely benign for CHD8-related condition. Last evaluated: 2020-02-17. Review status: no assertion criteria provided. Collection method: clinical testing. Allele origin: germline. Not counted in ClinVar's aggregate classification.
Comment: This variant is classified as likely benign based on ACMG/AMP sequence variant interpretation guidelines (Richards et al. 2015 PMID: 25741868, with internal and published modifications).

NM_001170629.2(CHD8):c.6085G>A (p.Glu2029Lys)

Gene: CHD8 (chromodomain helicase DNA binding protein 8; minus strand). Cytogenetic location: 14q11.2.
Variant type: single nucleotide variant.
Coding change: c.6085G>A on transcript NM_001170629.2 (MANE Select); coding-DNA position 6085, G replaced by A.
Protein change: p.Glu2029Lys; replaces glutamic acid 2029 with lysine.
Molecular consequence: missense variant.
Genome position (GRCh38, 1-based): chr14:21,393,710, C>T on the plus strand (G>A on the coding strand, the complement: CHD8 is on the minus strand). VCF-style: chr14-21393710-C-T. GRCh37 (hg19) VCF-style: chr14-21861869-C-T.
Other names: c.5248G>A, p.Glu1750Lys (NM_020920.4); short protein forms E1750K, E2029K.
Identifiers: ClinVar variation 196670 (VCV000196670.21), dbSNP rs145300090, ClinGen allele CA243736.